The following is an entry in ClinVar:

ClinVar aggregate classification (germline): Uncertain significance (1 of 4 stars; one submission).

Conditions:
Hereditary breast ovarian cancer syndrome. Also called: Breast and ovarian cancer; Hereditary breast and ovarian cancer; Hereditary breast and/or ovarian cancer syndrome; BRCA1- and BRCA2-Associated Hereditary Breast and Ovarian Cancer; Hereditary breast and ovarian cancer syndrome; Hereditary breast and ovarian cancer syndrome (HBOC). Identifiers: Orphanet 145, MedGen C0677776, MeSH D061325, MONDO:0003582. Disease mechanism: loss of function.

Submission:

Labcorp Genetics (formerly Invitae), Labcorp
Classification: Uncertain significance for Hereditary breast ovarian cancer syndrome. Last evaluated: 2019-04-04. Review status: criteria provided, single submitter. Criteria: Invitae Variant Classification Sherloc (09022015). Collection method: clinical testing. Allele origin: germline.
Comment: This variant has not been reported in the literature in individuals with BRCA2-related conditions. In summary, the available evidence is currently insufficient to determine the role of this variant in disease. Therefore, it has been classified as a Variant of Uncertain Significance. Nucleotide substitutions within the consensus splice site are a relatively common cause of aberrant splicing (PMID: 17576681, 9536098). Algorithms developed to predict the effect of sequence changes on RNA splicing suggest that this variant may disrupt the consensus splice site, but this prediction has not been confirmed by published transcriptional studies. This variant is not present in population databases (ExAC no frequency). This sequence change falls in intron 7 of the BRCA2 gene. It does not directly change the encoded amino acid sequence of the BRCA2 protein, but it affects a nucleotide within the consensus splice site of the intron.

Literature cited by the submitters: PubMed 17576681; PubMed 9536098.

NM_000059.4(BRCA2):c.631+4_631+20del

Gene: BRCA2 (BRCA2 DNA repair associated; plus strand). Cytogenetic location: 13q13.1.
Variant type: Deletion.
Coding change: c.631+4_631+20del on transcript NM_000059.4 (MANE Select); bases 4 to 20 of the intron after coding-DNA position 631, 17 bases deleted (ATAATAGCAAATGTGTA).
Molecular consequence: splice donor variant.
Genome position (GRCh38, 1-based): chr13:32,326,617-32,326,633, ATAATAGCAAATGTGTA deleted; deleting any 17 consecutive bases within chr13:32,326,614-32,326,633 gives the same sequence; the c. name uses the placement nearest the transcript's 3' end. VCF-style (leftmost placement, unchanged base first): chr13-32326613-GGTAATAATAGCAAATGT-G. GRCh37 (hg19) VCF-style: chr13-32900750-GGTAATAATAGCAAATGT-G.
Identifiers: ClinVar variation 846427 (VCV000846427.8), dbSNP rs2072351582, ClinGen allele CA916080535.